The following is an entry in ClinVar:

NC_000001.10:g.(?_193181185)_(193219842_?)dup

Gene: CDC73 (cell division cycle 73; plus strand). Cytogenetic location: 1q31.2.
Variant type: Duplication.
Identifiers: ClinVar variation 3247705 (VCV003247705.1).

ClinVar aggregate classification (germline): Uncertain significance (1 of 4 stars; one submission).

Conditions:
Parathyroid carcinoma (PRTC). Also called: Parathyroid gland carcinoma; CDC73-Related Parathyroid Carcinoma. Identifiers: Orphanet 143, MedGen C0687150, MONDO:0012004, OMIM 608266, HP:0006780.

Submission:

Labcorp Genetics (formerly Invitae), Labcorp
Classification: Uncertain significance for Parathyroid carcinoma. Last evaluated: 2023-02-08. Review status: criteria provided, single submitter. Criteria: Invitae Variant Classification Sherloc (09022015). Collection method: clinical testing. Allele origin: unknown.
Comment: This variant results in a copy number gain of the genomic region encompassing exon(s) 12-17 of the CDC73 gene. This region includes the termination codon of the gene. This copy number gain extends beyond the assayed region for this gene and therefore may encompass additional genes. As the precise location of this event is unknown, it may be in tandem or it may be located elsewhere in the genome. This variant has not been reported in the literature in individuals affected with CDC73-related conditions. Experimental studies and prediction algorithms are not available or were not evaluated, and the functional significance of this variant is currently unknown. In summary, the available evidence is currently insufficient to determine the role of this variant in disease. Therefore, it has been classified as a Variant of Uncertain Significance.